The following is an entry in ClinVar:

ClinVar aggregate classification (germline): Uncertain significance (1 of 4 stars; one submission).

Conditions:
Melnick-Needles syndrome (MNS). Also called: MELNICK-NEEDLES OSTEODYSPLASTY; OSTEODYSPLASTY OF MELNICK AND NEEDLES; Melnick-Needles Syndrome (FLNA-MNS). Identifiers: Orphanet 2484, MedGen C0025237, MONDO:0010650, OMIM 309350.
Frontometaphyseal dysplasia (FMD1). Identifiers: Orphanet 1826, MedGen C0265293, MONDO:0015942.
Heterotopia, periventricular, X-linked dominant (PVNH1). Also called: PERIVENTRICULAR NODULAR HETEROTOPIA 1; X-linked periventricular heterotopia; PERIVENTRICULAR NODULAR HETEROTOPIA 4; HETEROTOPIA, PERIVENTRICULAR, 1. Identifiers: Orphanet 2149, Orphanet 82004, MedGen C1848213, MONDO:0010233, OMIM 300049.
Oto-palato-digital syndrome, type II (OPD2). Also called: FACIOPALATOOSSEOUS SYNDROME; OPD II SYNDROME; Otopalatodigital Syndrome, Type II; Otopalatodigital Syndrome Type 2 (FLNA-OPD2). Identifiers: Orphanet 669, Orphanet 90652, MedGen C1844696, MONDO:0010571, OMIM 304120.

gnomAD v4.1: 1 of 1,211,848 alleles (0.000083%); highest among the groups gnomAD compares: Non-Finnish European, 0.00011%; no homozygotes.

Submission:

Labcorp Genetics (formerly Invitae), Labcorp
Classification: Uncertain significance for Oto-palato-digital syndrome, type II; Heterotopia, periventricular, X-linked dominant; Frontometaphyseal dysplasia; Melnick-Needles syndrome. Last evaluated: 2024-12-05. Review status: criteria provided, single submitter. Criteria: Invitae Variant Classification Sherloc (09022015). Collection method: clinical testing. Allele origin: germline.
Comment: This sequence change replaces glycine, which is neutral and non-polar, with alanine, which is neutral and non-polar, at codon 2500 of the FLNA protein (p.Gly2500Ala). This variant is not present in population databases (gnomAD no frequency). This variant has not been reported in the literature in individuals affected with FLNA-related conditions. Invitae Evidence Modeling of protein sequence and biophysical properties (such as structural, functional, and spatial information, amino acid conservation, physicochemical variation, residue mobility, and thermodynamic stability) indicates that this missense variant is not expected to disrupt FLNA protein function with a negative predictive value of 95%. In summary, the available evidence is currently insufficient to determine the role of this variant in disease. Therefore, it has been classified as a Variant of Uncertain Significance.

NM_001110556.2(FLNA):c.7523G>C (p.Gly2508Ala)

Gene: FLNA (filamin A; minus strand). Cytogenetic location: Xq28.
Variant type: single nucleotide variant.
Coding change: c.7523G>C on transcript NM_001110556.2 (MANE Select); coding-DNA position 7523, G replaced by C.
Protein change: p.Gly2508Ala; replaces glycine 2508 with alanine.
Molecular consequence: missense variant.
Genome position (GRCh38, 1-based): chrX:154,349,678, C>G on the plus strand (G>C on the coding strand, the complement: FLNA is on the minus strand). VCF-style: chrX-154349678-C-G. GRCh37 (hg19) VCF-style: chrX-153578046-C-G.
Other names: c.7499G>C, p.Gly2500Ala (NM_001456.4); short protein forms G2500A, G2508A.
Identifiers: ClinVar variation 3756156 (VCV003756156.2).
Genomic context (GRCh38, chrX:154,349,678, plus strand): 5'-GCAGATGCCAATAGCTTGGCCCCAGGCTCACCTGTGACTTTGGCCTTGAAGGGGCTGCCC[C>G]CAATGTGGTAGGGGCCGCCGTACTTGATGGAGATGAGGTAGCTGCCAGGTGCCATGGGGG-3'
Protein context (NP_001104026.1, residues 2498-2518): SIKYGGPYHI[Gly2508Ala]GSPFKAKVTG